The following is an entry in ClinVar:

NM_020975.6(RET):c.337+247C>T

Gene: RET (ret proto-oncogene; plus strand). Cytogenetic location: 10q11.21.
Variant type: single nucleotide variant.
Coding change: c.337+247C>T on transcript NM_020975.6 (MANE Select); 247 bases into the intron after coding-DNA position 337, C replaced by T.
Molecular consequence: intron variant.
Genome position (GRCh38, 1-based): chr10:43,100,969, C>T. VCF-style: chr10-43100969-C-T. GRCh37 (hg19) VCF-style: chr10-43596417-C-T.
Other names: c.337+247C>T (NM_020630.7, NM_001406743.1, NM_001406744.1 and 32 more transcripts); c.74-8062C>T (NM_001406784.1); c.74-11130C>T (NM_001406794.1, NM_001406792.1, NM_001406793.1).
Identifiers: ClinVar variation 676895 (VCV000676895.3), dbSNP rs112451273, ClinGen allele CA206713160.

ClinVar aggregate classification (germline): Likely benign (1 of 4 stars; one submission).

Allele frequency attached by ClinVar (database versions not stated): 1000 Genomes Project 0.00339; 1000 Genomes Project 30x 0.00390; gnomAD 0.00534 and 0.00583; TOPMed 0.00618.
gnomAD v4.1: 807 of 152,356 alleles (0.53%); highest among the groups gnomAD compares: African/African-American, 1.9%; 9 homozygotes.

Submission:

GeneDx
Classification: Likely benign. Last evaluated: 2018-06-12. Review status: criteria provided, single submitter. Criteria: GeneDx Variant Classification (06012015). Collection method: clinical testing. Allele origin: germline. Affected: yes.
Comment: This variant is considered likely benign or benign based on one or more of the following criteria: it is a conservative change, it occurs at a poorly conserved position in the protein, it is predicted to be benign by multiple in silico algorithms, and/or has population frequency not consistent with disease.